The following is an entry in ClinVar:

NM_001292063.2(OTOG):c.6575G>T (p.Gly2192Val)

Gene: OTOG (otogelin; plus strand). Cytogenetic location: 11p15.1.
Variant type: single nucleotide variant.
Coding change: c.6575G>T on transcript NM_001292063.2 (MANE Select); coding-DNA position 6575, G replaced by T.
Protein change: p.Gly2192Val; replaces glycine 2192 with valine.
Molecular consequence: missense variant.
Genome position (GRCh38, 1-based): chr11:17,629,179, G>T. VCF-style: chr11-17629179-G-T. GRCh37 (hg19) VCF-style: chr11-17650726-G-T.
Other names: c.6611G>T, p.Gly2204Val (NM_001277269.2); short protein forms G2204V, G2192V.
Identifiers: ClinVar variation 593647 (VCV000593647.10), dbSNP rs536834261, ClinGen allele CA5906049.
Genomic context (GRCh38, chr11:17,629,179, plus strand): 5'-AATTCCCTCCCAAGGTGACTGTGGACTTGCAGCCTGTGTGGCCACCGGTGAGCAGGTATG[G>T]ATTCAGAATTGAGGACACAGGCCACATGTACATGATCCTGACTCCCTCAGACATCCAGAT-3'
Protein context (NP_001278992.1, residues 2182-2202): QPVWPPVSRY[Gly2192Val]FRIEDTGHMY

ClinVar aggregate classification (germline): Uncertain significance. Review status: criteria provided, multiple submitters, no conflicts (2 of 4 stars). 3 submissions from 3 submitters: Uncertain significance (3). Last evaluated 2026-08-26.

Conditions:
OTOG-related disorder. Also called: OTOG-related condition.

Allele frequency attached by ClinVar (database versions not stated): gnomAD exomes 0.00001; ExAC 0.00006; TOPMed 0.00023; gnomAD 0.00024; 1000 Genomes Project 0.00040; 1000 Genomes Project 30x 0.00062.
gnomAD v4.1: 67 of 1,550,582 alleles (0.0043%); highest among the groups gnomAD compares: African/African-American, 0.09%; no homozygotes.

Submissions (3):

GeneDx
Classification: Uncertain significance. Last evaluated: 2026-08-26. Review status: criteria provided, single submitter. Criteria: GeneDx Variant Classification Process June 2021. Collection method: clinical testing. Allele origin: germline.
Comment: In silico analysis supports that this missense variant has a deleterious effect on protein structure/function; Has not been previously published as pathogenic or benign to our knowledge

PreventionGenetics, part of Exact Sciences
Classification: Uncertain significance for OTOG-related condition. Last evaluated: 2025-08-14. Review status: criteria provided, single submitter. Criteria: ACMG Guidelines, 2015. Collection method: clinical testing. Allele origin: germline.
Comment: The OTOG c.6611G>T variant is predicted to result in the amino acid substitution p.Gly2204Val. To our knowledge, this variant has not been reported in the literature. This variant is reported in 0.097% of alleles in individuals of African descent in gnomAD. At this time, the clinical significance of this variant is uncertain due to the absence of conclusive functional and genetic evidence.

Eurofins Ntd Llc (ga)
Classification: Uncertain significance. Last evaluated: 2017-09-01. Review status: criteria provided, single submitter. Criteria: EGL Classification Definitions 2015. Collection method: clinical testing. Allele origin: germline. Observed: 1 variant allele, 1 heterozygote.